The following is an entry in ClinVar:

ClinVar aggregate classification (germline): Uncertain significance (1 of 4 stars; one submission).

Allele frequency attached by ClinVar (database versions not stated): gnomAD 0.00001.
gnomAD v4.1: 14 of 1,614,008 alleles (0.00087%); highest among the groups gnomAD compares: South Asian, 0.0044%; no homozygotes.

Submission:

Labcorp Genetics (formerly Invitae), Labcorp
Classification: Uncertain significance. Last evaluated: 2022-05-21. Review status: criteria provided, single submitter. Criteria: Invitae Variant Classification Sherloc (09022015). Collection method: clinical testing. Allele origin: germline.
Comment: In summary, the available evidence is currently insufficient to determine the role of this variant in disease. Therefore, it has been classified as a Variant of Uncertain Significance. This sequence change replaces arginine, which is basic and polar, with tryptophan, which is neutral and slightly polar, at codon 677 of the TUBGCP6 protein (p.Arg677Trp). This variant is present in population databases (rs761706269, gnomAD 0.005%). This variant has not been reported in the literature in individuals affected with TUBGCP6-related conditions. Algorithms developed to predict the effect of missense changes on protein structure and function are either unavailable or do not agree on the potential impact of this missense change (SIFT: "Deleterious"; PolyPhen-2: "Probably Damaging"; Align-GVGD: "Class C0").

NM_020461.4(TUBGCP6):c.2029C>T (p.Arg677Trp)

Gene: TUBGCP6 (tubulin gamma complex component 6; minus strand). Cytogenetic location: 22q13.33.
Variant type: single nucleotide variant.
Coding change: c.2029C>T on transcript NM_020461.4 (MANE Select); coding-DNA position 2029, C replaced by T.
Protein change: p.Arg677Trp; replaces arginine 677 with tryptophan.
Molecular consequence: missense variant.
Genome position (GRCh38, 1-based): chr22:50,224,547, G>A on the plus strand (C>T on the coding strand, the complement: TUBGCP6 is on the minus strand). VCF-style: chr22-50224547-G-A. GRCh37 (hg19) VCF-style: chr22-50662976-G-A.
Other names: short protein forms R677W.
Identifiers: ClinVar variation 1927380 (VCV001927380.3), dbSNP rs761706269, ClinGen allele CA10308397.